The following is an entry in ClinVar:

NM_000260.4(MYO7A):c.3167A>G (p.Lys1056Arg)

Gene: MYO7A (myosin VIIA; plus strand). Cytogenetic location: 11q13.5.
Variant type: single nucleotide variant.
Coding change: c.3167A>G on transcript NM_000260.4 (MANE Select); coding-DNA position 3167, A replaced by G.
Protein change: p.Lys1056Arg; replaces lysine 1056 with arginine.
Molecular consequence: missense variant.
Genome position (GRCh38, 1-based): chr11:77,182,482, A>G. VCF-style: chr11-77182482-A-G. GRCh37 (hg19) VCF-style: chr11-76893527-A-G.
Other names: c.3167A>G, p.Lys1056Arg (NM_001127180.2); c.3134A>G, p.Lys1045Arg (NM_001369365.1); short protein forms K1045R, K1056R.
Identifiers: ClinVar variation 2421182 (VCV002421182.3), dbSNP rs1555085471, ClinGen allele CA381944702.

ClinVar aggregate classification (germline): Uncertain significance (1 of 4 stars; one submission).

Allele frequency attached by ClinVar (database versions not stated): gnomAD exomes 0.00001; gnomAD 0.00002.
gnomAD v4.1: 15 of 1,610,818 alleles (0.00093%); highest among the groups gnomAD compares: South Asian, 0.015%; no homozygotes.

Submission:

Labcorp Genetics (formerly Invitae), Labcorp
Classification: Uncertain significance. Last evaluated: 2022-09-01. Review status: criteria provided, single submitter. Criteria: Invitae Variant Classification Sherloc (09022015). Collection method: clinical testing. Allele origin: germline.
Comment: This sequence change replaces lysine, which is basic and polar, with arginine, which is basic and polar, at codon 1056 of the MYO7A protein (p.Lys1056Arg). This variant is present in population databases (no rsID available, gnomAD 0.003%). This variant has not been reported in the literature in individuals affected with MYO7A-related conditions. Advanced modeling of protein sequence and biophysical properties (such as structural, functional, and spatial information, amino acid conservation, physicochemical variation, residue mobility, and thermodynamic stability) performed at Invitae indicates that this missense variant is not expected to disrupt MYO7A protein function. In summary, the available evidence is currently insufficient to determine the role of this variant in disease. Therefore, it has been classified as a Variant of Uncertain Significance.